The following is an entry in ClinVar:

NM_014991.6(WDFY3):c.867C>G (p.Phe289Leu)

Gene: WDFY3 (WD repeat and FYVE domain containing 3; minus strand). Cytogenetic location: 4q21.23.
Variant type: single nucleotide variant.
Coding change: c.867C>G on transcript NM_014991.6 (MANE Select); coding-DNA position 867, C replaced by G.
Protein change: p.Phe289Leu; replaces phenylalanine 289 with leucine.
Molecular consequence: missense variant.
Genome position (GRCh38, 1-based): chr4:84,829,093, G>C on the plus strand (C>G on the coding strand, the complement: WDFY3 is on the minus strand). VCF-style: chr4-84829093-G-C. GRCh37 (hg19) VCF-style: chr4-85750246-G-C.
Other names: short protein forms F289L.
Identifiers: ClinVar variation 3364559 (VCV003364559.1).

ClinVar aggregate classification (germline): Uncertain significance (1 of 4 stars; one submission).

Submission:

GeneDx
Classification: Uncertain significance. Last evaluated: 2023-11-16. Review status: criteria provided, single submitter. Criteria: GeneDx Variant Classification Process June 2021. Collection method: clinical testing. Allele origin: germline. Affected: yes.
Comment: Not observed at significant frequency in large population cohorts (gnomAD); In silico analysis supports that this missense variant has a deleterious effect on protein structure/function; Has not been previously published as pathogenic or benign to our knowledge